The following is an entry in ClinVar:

NM_001330078.2(NRXN1):c.1704G>C (p.Lys568Asn)

Gene: NRXN1 (neurexin 1; minus strand). Cytogenetic location: 2p16.3.
Variant type: single nucleotide variant.
Coding change: c.1704G>C on transcript NM_001330078.2 (MANE Select); coding-DNA position 1704, G replaced by C.
Protein change: p.Lys568Asn; replaces lysine 568 with asparagine.
Molecular consequence: missense variant.
Genome position (GRCh38, 1-based): chr2:50,552,642, C>G on the plus strand (G>C on the coding strand, the complement: NRXN1 is on the minus strand). VCF-style: chr2-50552642-C-G. GRCh37 (hg19) VCF-style: chr2-50779780-C-G.
Other names: c.1665G>C, p.Lys555Asn (NM_001330083.2, NM_001330084.2); c.1704G>C, p.Lys568Asn (NM_001330085.2, NM_001330086.2, NM_004801.6); c.1620G>C, p.Lys540Asn (NM_001330087.2, NM_001330096.2); c.1650G>C, p.Lys550Asn (NM_001330088.2); c.1701G>C, p.Lys567Asn (NM_001330093.2); c.1692G>C, p.Lys564Asn (NM_001330094.2); c.1680G>C, p.Lys560Asn (NM_001330095.2, NM_001330077.2, NM_001330082.2); c.1824G>C, p.Lys608Asn (NM_001135659.3); short protein forms K560N, K608N, K540N, K550N, K564N, K555N, K568N, K567N.
Identifiers: ClinVar variation 1516093 (VCV001516093.8), dbSNP rs2105344398, ClinGen allele CA346772937.

ClinVar aggregate classification (germline): Uncertain significance (1 of 4 stars; one submission).

Conditions:
Pitt-Hopkins-like syndrome 2 (PTHSL2). Identifiers: Orphanet 221150, Orphanet 600663, MedGen C3280479, MONDO:0013690, OMIM 614325.

Submission:

Labcorp Genetics (formerly Invitae), Labcorp
Classification: Uncertain significance for Pitt-Hopkins-like syndrome 2. Last evaluated: 2025-03-20. Review status: criteria provided, single submitter. Criteria: Invitae Variant Classification Sherloc (09022015). Collection method: clinical testing. Allele origin: germline.
Comment: This sequence change replaces lysine, which is basic and polar, with asparagine, which is neutral and polar, at codon 608 of the NRXN1 protein (p.Lys608Asn). This variant is not present in population databases (gnomAD no frequency). This variant has not been reported in the literature in individuals affected with NRXN1-related conditions. ClinVar contains an entry for this variant (Variation ID: 1516093). An algorithm developed to predict the effect of missense changes on protein structure and function (PolyPhen-2) suggests that this variant is likely to be tolerated. In summary, the available evidence is currently insufficient to determine the role of this variant in disease. Therefore, it has been classified as a Variant of Uncertain Significance.